The following is an entry in ClinVar:

NM_004006.3(DMD):c.1087C>T (p.Gln363Ter)

Gene: DMD (dystrophin; minus strand). Cytogenetic location: Xp21.1.
Variant type: single nucleotide variant.
Coding change: c.1087C>T on transcript NM_004006.3 (MANE Select); coding-DNA position 1087, C replaced by T.
Protein change: p.Gln363Ter; replaces glutamine 363 with a stop codon.
Molecular consequence: nonsense.
Genome position (GRCh38, 1-based): chrX:32,645,026, G>A on the plus strand (C>T on the coding strand, the complement: DMD is on the minus strand). VCF-style: chrX-32645026-G-A. GRCh37 (hg19) VCF-style: chrX-32663143-G-A.
Other names: c.1063C>T, p.Gln355Ter (NM_000109.4); c.1075C>T, p.Gln359Ter (NM_004009.3); c.718C>T, p.Gln240Ter (NM_004010.3); short protein forms Q359*, Q363*, Q240*, Q355*.
Identifiers: ClinVar variation 973532 (VCV000973532.3), dbSNP rs2059695805, ClinGen allele CA412661913.

ClinVar aggregate classification (germline): Pathogenic. Review status: criteria provided, multiple submitters, no conflicts (2 of 4 stars). 2 submissions from 2 submitters: Pathogenic (2). Last evaluated 2026-01-20.

Conditions:
Duchenne muscular dystrophy (DMD). Also called: MUSCULAR DYSTROPHY, PSEUDOHYPERTROPHIC PROGRESSIVE, DUCHENNE TYPE; Duchenne Muscular Dystrophy (DMD). Identifiers: Orphanet 98896, MedGen C0013264, MONDO:0010679, OMIM 310200.
Becker muscular dystrophy, Cardiomyopathy, Duchenne muscular dystrophy, Dystrophin deficiency.

Submissions (2):

Natera, Inc.
Classification: Pathogenic for Becker muscular dystrophy, Cardiomyopathy, Duchenne muscular dystrophy, Dystrophin deficiency. Last evaluated: 2026-01-20. Review status: criteria provided, single submitter. Criteria: Natera Variant Classification Schema (03/2026). Collection method: clinical testing. Allele origin: germline.
Comment: The c.1087C>T variant in DMD is a nonsense variant predicted to introduce a stop codon at amino acid 363. This variant is expected to result in nonsense mediated decay, truncation, or a dysfunctional protein product. This variant is rare in the general population with a frequency below the threshold expected for the associated phenotype(s). This variant has been observed in affected individual(s) with monoallelic occurrence (heterozygous/hemizygous) (PMID: 20485447, 33083013). Given the available evidence, this variant is classified as Pathogenic.

CENTOGENE GmbH and LLC - Guiding Precision Medicine
Classification: Pathogenic for Duchenne muscular dystrophy. Review status: criteria provided, single submitter. Criteria: ACMG Guidelines, 2015. Collection method: clinical testing. Allele origin: germline. Affected: yes.

Literature cited by the submitters: PubMed 20485447 (cited by Natera, Inc.); PubMed 33083013 (cited by Natera, Inc.).